The following is an entry in ClinVar:

NM_000138.5(FBN1):c.1715-2A>G

Gene: FBN1 (fibrillin 1; minus strand). Cytogenetic location: 15q21.1.
Variant type: single nucleotide variant.
Coding change: c.1715-2A>G on transcript NM_000138.5 (MANE Select); the canonical splice acceptor site of the intron before coding-DNA position 1715, A replaced by G.
Molecular consequence: splice acceptor variant.
Genome position (GRCh38, 1-based): chr15:48,508,706, T>C on the plus strand (A>G on the coding strand, the complement: FBN1 is on the minus strand). VCF-style: chr15-48508706-T-C. GRCh37 (hg19) VCF-style: chr15-48800903-T-C.
Other names: c.1715-2A>G (NM_001406716.1).
Identifiers: ClinVar variation 834883 (VCV000834883.16), dbSNP rs2043733370, ClinGen allele CA392340731.
Genomic context (GRCh38, chr15:48,508,706, plus strand): 5'-ATCTTCATTGATACACATTCCATTAAGGCACATGTTCCTTATGCTGCATTCATCCATATC[T>C]GAAAATACAAAACATACATTTTCTTATGACCAGAAGAGTAAGCTTACGAAGGAAACCAAT-3'

ClinVar aggregate classification (germline): Pathogenic. Review status: criteria provided, multiple submitters, no conflicts (2 of 4 stars). 2 submissions from 2 submitters: Pathogenic (2). Last evaluated 2022-09-01.

Conditions:
Familial thoracic aortic aneurysm and aortic dissection (TAAD). Also called: Thoracic aortic aneurysms and dissections. Identifiers: Orphanet 91387, MedGen C4707243, MONDO:0019625.
Marfan syndrome (MFS). Also called: FBN1-Related Marfan Syndrome; Marfan's syndrome; MARFAN SYNDROME, TYPE I; Marfan syndrome type 1; Marfan syndrome, classic. Identifiers: Orphanet 284963, Orphanet 558, MedGen C0024796, MONDO:0007947, OMIM 154700.

Submissions (2):

Labcorp Genetics (formerly Invitae), Labcorp
Classification: Pathogenic for Marfan syndrome; Familial thoracic aortic aneurysm and aortic dissection. Last evaluated: 2022-09-01. Review status: criteria provided, single submitter. Criteria: Invitae Variant Classification Sherloc (09022015). Collection method: clinical testing. Allele origin: germline.
Comment: For these reasons, this variant has been classified as Pathogenic. This sequence change affects an acceptor splice site in intron 14 of the FBN1 gene. It is expected to disrupt RNA splicing. Variants that disrupt the donor or acceptor splice site typically lead to a loss of protein function (PMID: 16199547), and loss-of-function variants in FBN1 are known to be pathogenic (PMID: 17657824, 19293843). This variant is not present in population databases (gnomAD no frequency). Disruption of this splice site has been observed in individual(s) with clinical features of Marfan syndrome (Invitae). In at least one individual the variant was observed to be de novo. ClinVar contains an entry for this variant (Variation ID: 834883). Algorithms developed to predict the effect of sequence changes on RNA splicing suggest that this variant may disrupt the consensus splice site.

Mayo Clinic Laboratories, Mayo Clinic
Classification: Pathogenic. Last evaluated: 2019-06-09. Review status: criteria provided, single submitter. Criteria: ACMG Guidelines, 2015. Collection method: clinical testing. Allele origin: germline. Observed: 1 variant allele.
Comment: PVS1, PM2, PP3, PP4

Literature cited by the submitters: PubMed 16199547 (cited by Labcorp Genetics (formerly Invitae), Labcorp); PubMed 17657824 (cited by Labcorp Genetics (formerly Invitae), Labcorp); PubMed 19293843 (cited by Labcorp Genetics (formerly Invitae), Labcorp).